The following is an entry in ClinVar:

NM_001276270.2(MBD4):c.1115A>C (p.His372Pro)

Gene: MBD4 (methyl-CpG binding domain 4, DNA glycosylase; minus strand). Cytogenetic location: 3q21.3.
Variant type: single nucleotide variant.
Coding change: c.1115A>C on transcript NM_001276270.2 (MANE Select); coding-DNA position 1115, A replaced by C.
Protein change: p.His372Pro; replaces histidine 372 with proline.
Molecular consequence: missense variant. On other transcripts: intron variant (1).
Genome position (GRCh38, 1-based): chr3:129,436,529, T>G on the plus strand (A>C on the coding strand, the complement: MBD4 is on the minus strand). VCF-style: chr3-129436529-T-G. GRCh37 (hg19) VCF-style: chr3-129155372-T-G.
Other names: c.1115A>C, p.His372Pro (NM_001276271.2, NM_001276272.2, NM_003925.3); c.247+1279A>C (NM_001276273.2); short protein forms H372P.
Identifiers: ClinVar variation 2790882 (VCV002790882.3), dbSNP rs1166942958, ClinGen allele CA354466517.

ClinVar aggregate classification (germline): Uncertain significance. Review status: criteria provided, multiple submitters, no conflicts (2 of 4 stars). 2 submissions from 2 submitters: Uncertain significance (2). Last evaluated 2025-01-07.

Conditions:
Inborn genetic diseases. Identifiers: MedGen C0950123, MeSH D030342.

Allele frequency attached by ClinVar (database versions not stated): gnomAD exomes below 0.00001; TOPMed 0.00001.
gnomAD v4.1: 2 of 1,614,188 alleles (0.00012%); highest among the groups gnomAD compares: African/African-American, 0.0013%; no homozygotes.

Submissions (2):

Labcorp Genetics (formerly Invitae), Labcorp
Classification: Uncertain significance. Last evaluated: 2025-01-07. Review status: criteria provided, single submitter. Criteria: Invitae Variant Classification Sherloc (09022015). Collection method: clinical testing. Allele origin: germline.
Comment: This sequence change replaces histidine, which is basic and polar, with proline, which is neutral and non-polar, at codon 372 of the MBD4 protein (p.His372Pro). This variant is not present in population databases (gnomAD no frequency). This variant has not been reported in the literature in individuals affected with MBD4-related conditions. ClinVar contains an entry for this variant (Variation ID: 2790882). An algorithm developed to predict the effect of missense changes on protein structure and function (PolyPhen-2) suggests that this variant¬¨‚Ä†is likely to be tolerated. In summary, the available evidence is currently insufficient to determine the role of this variant in disease. Therefore, it has been classified as a Variant of Uncertain Significance.

Ambry Genetics
Classification: Uncertain significance for Inborn genetic diseases. Last evaluated: 2024-11-30. Review status: criteria provided, single submitter. Criteria: Ambry Variant Classification Scheme 2023. Collection method: clinical testing. Allele origin: germline.
Comment: The p.H372P variant (also known as c.1115A>C), located in coding exon 3 of the MBD4 gene, results from an A to C substitution at nucleotide position 1115. The histidine at codon 372 is replaced by proline, an amino acid with similar properties. This amino acid position is conserved. In addition, the in silico prediction for this alteration is inconclusive. Based on the available evidence, the clinical significance of this variant remains unclear.